The following is an entry in ClinVar:

NM_194248.3(OTOF):c.4495del (p.Val1499fs)

Gene: OTOF (otoferlin; minus strand). Cytogenetic location: 2p23.3.
Variant type: Deletion.
Coding change: c.4495del on transcript NM_194248.3 (MANE Select); coding-DNA position 4495, one base deleted (G; older notation c.4495delG).
Protein change: p.Val1499fs; shifts the reading frame from valine 1499.
Molecular consequence: frameshift variant.
Genome position (GRCh38, 1-based): chr2:26,466,719, C deleted on the plus strand (G on the coding strand, the reverse complement: OTOF is on the minus strand); the first of 2 consecutive C bases (chr2:26,466,719-26,466,720); deleting either gives the same sequence. VCF-style (leftmost placement, unchanged base first): chr2-26466718-AC-A. GRCh37 (hg19) VCF-style: chr2-26689586-AC-A.
Other names: c.4495del, p.Val1499fs (NM_001287489.2); c.2194del, p.Val732fs (NM_004802.4, NM_194323.3); c.2425del, p.Val809fs (NM_194322.3); short protein forms V732fs, V1499fs, V809fs.
Identifiers: ClinVar variation 2804683 (VCV002804683.3), dbSNP rs1558472224, ClinGen allele CA916495997.

ClinVar aggregate classification (germline): Pathogenic (1 of 4 stars; one submission).

Submission:

Labcorp Genetics (formerly Invitae), Labcorp
Classification: Pathogenic. Last evaluated: 2023-06-21. Review status: criteria provided, single submitter. Criteria: Invitae Variant Classification Sherloc (09022015). Collection method: clinical testing. Allele origin: germline.
Comment: This sequence change creates a premature translational stop signal (p.Val1499Serfs*23) in the OTOF gene. It is expected to result in an absent or disrupted protein product. Loss-of-function variants in OTOF are known to be pathogenic (PMID: 18381613, 19250381, 22575033). For these reasons, this variant has been classified as Pathogenic. This variant has not been reported in the literature in individuals affected with OTOF-related conditions. This variant is not present in population databases (gnomAD no frequency).

Literature cited by the submitters: PubMed 18381613; PubMed 19250381; PubMed 22575033.